The following is an entry in ClinVar:

NM_004208.4(AIFM1):c.697-53T>C

Genes: AIFM1 (apoptosis inducing factor mitochondria associated 1; minus strand), RAB33A (RAB33A, member RAS oncogene family; plus strand). Cytogenetic location: Xq26.1.
Variant type: single nucleotide variant.
Coding change: c.697-53T>C on transcript NM_004208.4 (MANE Select); 53 bases into the intron before coding-DNA position 697, T replaced by C.
Molecular consequence: intron variant.
Genome position (GRCh38, 1-based): chrX:130,140,670, A>G on the plus strand (T>C on the coding strand, the complement: AIFM1 is on the minus strand). VCF-style: chrX-130140670-A-G. GRCh37 (hg19) VCF-style: chrX-129274645-A-G.
Other names: c.685-53T>C (NM_145812.3); c.697-53T>C (NM_001130847.4).
Identifiers: ClinVar variation 3038673 (VCV003038673.3), dbSNP rs976992648, ClinGen allele CA335120198.

ClinVar aggregate classification (germline): Likely benign. Review status: criteria provided, single submitter (1 of 4 stars). 2 submissions from 2 submitters: Likely benign (1). 1 of the submissions does not count toward it. Last evaluated 2024-09-02.

Conditions:
AIFM1-related disorder. Also called: AIFM1-related condition.

Allele frequency attached by ClinVar (database versions not stated): gnomAD exomes 0.00001; gnomAD 0.00002; TOPMed 0.00003.
gnomAD v4.1: 15 of 959,006 alleles (0.0016%); highest among the groups gnomAD compares: Middle Eastern, 0.026%; no homozygotes.

Submissions (2):

Blueprint Genetics
Classification: Likely benign. Last evaluated: 2024-09-02. Review status: criteria provided, single submitter. Criteria: ACMG Guidelines, 2015. Collection method: clinical testing. Allele origin: germline.

PreventionGenetics, part of Exact Sciences
Classification: Likely benign for AIFM1-related condition. Last evaluated: 2019-05-24. Review status: no assertion criteria provided. Collection method: clinical testing. Allele origin: germline. Not counted in ClinVar's aggregate classification.
Comment: This variant is classified as likely benign based on ACMG/AMP sequence variant interpretation guidelines (Richards et al. 2015 PMID: 25741868, with internal and published modifications).